The following is an entry in ClinVar:

NM_032119.4(ADGRV1):c.7603G>A (p.Asp2535Asn)

Gene: ADGRV1 (adhesion G protein-coupled receptor V1; plus strand). Cytogenetic location: 5q14.3.
Variant type: single nucleotide variant.
Coding change: c.7603G>A on transcript NM_032119.4 (MANE Select); coding-DNA position 7603, G replaced by A.
Protein change: p.Asp2535Asn; replaces aspartic acid 2535 with asparagine.
Molecular consequence: missense variant. On other transcripts: non-coding transcript variant (1).
Genome position (GRCh38, 1-based): chr5:90,694,359, G>A. VCF-style: chr5-90694359-G-A. GRCh37 (hg19) VCF-style: chr5-89990176-G-A.
Other names: c.7603G>A (NM_032119.3); short protein forms D2535N.
Identifiers: ClinVar variation 1465991 (VCV001465991.7), dbSNP rs1363436684, ClinGen allele CA360379735.
Genomic context (GRCh38, chr5:90,694,359, plus strand): 5'-GAAGGTGATGAATTCGCAAATCTCACAGTGTCTATTCTTCCTGATGATTTCCCAGAGATG[G>A]ATGAGAGTTTTCTAATTTCTCTCCTTGAAGTTCACCTCATGAACATTTCAGCCAGTTTGA-3'
Protein context (NP_115495.3, residues 2525-2545): SILPDDFPEM[Asp2535Asn]ESFLISLLEV

ClinVar aggregate classification (germline): Uncertain significance. Review status: criteria provided, multiple submitters, no conflicts (2 of 4 stars). 2 submissions from 2 submitters: Uncertain significance (2). Last evaluated 2026-06-15.

Conditions:
Inborn genetic diseases. Identifiers: MedGen C0950123, MeSH D030342.

Allele frequency attached by ClinVar (database versions not stated): TOPMed 0.00006; gnomAD exomes below 0.00001; gnomAD 0.00001.
gnomAD v4.1: 3 of 1,613,848 alleles (0.00019%); highest among the groups gnomAD compares: Admixed American, 0.005%; no homozygotes.

Submissions (2):

Ambry Genetics
Classification: Uncertain significance for Inborn genetic diseases. Last evaluated: 2026-06-15. Review status: criteria provided, single submitter. Criteria: Ambry Variant Classification Scheme 2023. Collection method: clinical testing. Allele origin: germline.

Labcorp Genetics (formerly Invitae), Labcorp
Classification: Uncertain significance. Last evaluated: 2022-02-02. Review status: criteria provided, single submitter. Criteria: Invitae Variant Classification Sherloc (09022015). Collection method: clinical testing. Allele origin: germline.
Comment: This sequence change replaces aspartic acid, which is acidic and polar, with asparagine, which is neutral and polar, at codon 2535 of the ADGRV1 protein (p.Asp2535Asn). This variant is not present in population databases (gnomAD no frequency). This variant has not been reported in the literature in individuals affected with ADGRV1-related conditions. Algorithms developed to predict the effect of missense changes on protein structure and function are either unavailable or do not agree on the potential impact of this missense change (SIFT: "Deleterious"; PolyPhen-2: "Probably Damaging"; Align-GVGD: "Class C0"). In summary, the available evidence is currently insufficient to determine the role of this variant in disease. Therefore, it has been classified as a Variant of Uncertain Significance.